The following is an entry in ClinVar:

NM_001363711.2(DUOX2):c.2963C>T (p.Pro988Leu)

Gene: DUOX2 (dual oxidase 2; minus strand). Cytogenetic location: 15q21.1.
Variant type: single nucleotide variant.
Coding change: c.2963C>T on transcript NM_001363711.2 (MANE Select); coding-DNA position 2963, C replaced by T.
Protein change: p.Pro988Leu; replaces proline 988 with leucine.
Molecular consequence: missense variant.
Genome position (GRCh38, 1-based): chr15:45,100,797, G>A on the plus strand (C>T on the coding strand, the complement: DUOX2 is on the minus strand). VCF-style: chr15-45100797-G-A. GRCh37 (hg19) VCF-style: chr15-45392995-G-A.
Other names: c.2963C>T, p.Pro988Leu (NM_014080.5); short protein forms P988L.
Identifiers: ClinVar variation 3636596 (VCV003636596.2).

ClinVar aggregate classification (germline): Uncertain significance (1 of 4 stars; one submission).

Submission:

Labcorp Genetics (formerly Invitae), Labcorp
Classification: Uncertain significance. Last evaluated: 2024-09-17. Review status: criteria provided, single submitter. Criteria: Invitae Variant Classification Sherloc (09022015). Collection method: clinical testing. Allele origin: germline.
Comment: This sequence change replaces proline, which is neutral and non-polar, with leucine, which is neutral and non-polar, at codon 988 of the DUOX2 protein (p.Pro988Leu). This variant is not present in population databases (gnomAD no frequency). This variant has not been reported in the literature in individuals affected with DUOX2-related conditions. Invitae Evidence Modeling of protein sequence and biophysical properties (such as structural, functional, and spatial information, amino acid conservation, physicochemical variation, residue mobility, and thermodynamic stability) indicates that this missense variant is not expected to disrupt DUOX2 protein function with a negative predictive value of 95%. In summary, the available evidence is currently insufficient to determine the role of this variant in disease. Therefore, it has been classified as a Variant of Uncertain Significance.